The following is an entry in ClinVar:

ClinVar aggregate classification (germline): Likely benign (1 of 4 stars; one submission).

Allele frequency attached by ClinVar (database versions not stated): ExAC 0.00302.

Submission:

CeGaT Center for Human Genetics Tuebingen
Classification: Likely benign. Last evaluated: 2023-09-01. Review status: criteria provided, single submitter. Criteria: CeGaT Center For Human Genetics Tuebingen Variant Classification Criteria Version 2. Collection method: clinical testing. Allele origin: germline. Affected: yes. Observed: 1 variant allele.
Comment: GOLGA6L1: BS2

NM_001001413.3(GOLGA6L1):c.1216C>T (p.Arg406Cys)

Gene: GOLGA6L1 (golgin A6 family like 1; minus strand). Cytogenetic location: 15q11.2.
Variant type: single nucleotide variant.
Coding change: c.1216C>T on transcript NM_001001413.3 (MANE Select); coding-DNA position 1216, C replaced by T.
Protein change: p.Arg406Cys; replaces arginine 406 with cysteine.
Molecular consequence: missense variant.
Genome position (GRCh38, 1-based): chr15:23,130,237, G>A on the plus strand (C>T on the coding strand, the complement: GOLGA6L1 is on the minus strand). VCF-style: chr15-23130237-G-A. GRCh37 (hg19) VCF-style: chr15-22742831-C-T.
Other names: short protein forms R406C.
Identifiers: ClinVar variation 2644941 (VCV002644941.24), dbSNP rs757184511, ClinGen allele CA7422870.